The following is an entry in ClinVar:

NM_020693.4(DSCAML1):c.3226C>A (p.Pro1076Thr)

Gene: DSCAML1 (DS cell adhesion molecule like 1; minus strand). Cytogenetic location: 11q23.3.
Variant type: single nucleotide variant.
Coding change: c.3226C>A on transcript NM_020693.4 (MANE Select); coding-DNA position 3226, C replaced by A.
Protein change: p.Pro1076Thr; replaces proline 1076 with threonine.
Molecular consequence: missense variant.
Genome position (GRCh38, 1-based): chr11:117,464,981, G>T on the plus strand (C>A on the coding strand, the complement: DSCAML1 is on the minus strand). VCF-style: chr11-117464981-G-T. GRCh37 (hg19) VCF-style: chr11-117335697-G-T.
Other names: short protein forms P1076T.
Identifiers: ClinVar variation 2985947 (VCV002985947.3), dbSNP rs1427760467, ClinGen allele CA382738818.
Genomic context (GRCh38, chr11:117,464,981, plus strand): 5'-CCCTTCTGCTGGGGCCCTCACCATCCTCCAGAGTGGTGGCATTGATCTCGCTGGAAGAGG[G>T]CCCCGTGCCAGCCCGATTGAAGGCTTGGACCACCACCCCATACTGGGCGAACTTCTTGAG-3'
Protein context (NP_065744.3, residues 1066-1086): VQAFNRAGTG[Pro1076Thr]SSSEINATTL

ClinVar aggregate classification (germline): Uncertain significance (1 of 4 stars; one submission).

Allele frequency attached by ClinVar (database versions not stated): gnomAD 0.00001; TOPMed 0.00002.
gnomAD v4.1: 2 of 1,613,976 alleles (0.00012%); highest among the groups gnomAD compares: African/African-American, 0.0027%; no homozygotes.

Submission:

Labcorp Genetics (formerly Invitae), Labcorp
Classification: Uncertain significance. Last evaluated: 2025-05-27. Review status: criteria provided, single submitter. Criteria: Invitae Variant Classification Sherloc (09022015). Collection method: clinical testing. Allele origin: germline.
Comment: This sequence change replaces proline, which is neutral and non-polar, with threonine, which is neutral and polar, at codon 1136 of the DSCAML1 protein (p.Pro1136Thr). This variant is not present in population databases (gnomAD no frequency). This variant has not been reported in the literature in individuals affected with DSCAML1-related conditions. ClinVar contains an entry for this variant (Variation ID: 2985947). An algorithm developed to predict the effect of missense changes on protein structure and function (PolyPhen-2) suggests that this variant is likely to be disruptive. In summary, the available evidence is currently insufficient to determine the role of this variant in disease. Therefore, it has been classified as a Variant of Uncertain Significance.